The following is an entry in ClinVar:

ClinVar aggregate classification (germline): Uncertain significance (1 of 4 stars; one submission).

Conditions:
Hereditary cancer-predisposing syndrome. Also called: Neoplastic Syndromes, Hereditary; Hereditary Cancer Syndrome; Tumor predisposition; Hereditary neoplastic syndrome. Identifiers: Orphanet 140162, MedGen C0027672, MeSH D009386, MONDO:0015356.

Submission:

Ambry Genetics
Classification: Uncertain significance for Hereditary cancer-predisposing syndrome. Last evaluated: 2016-09-02. Review status: criteria provided, single submitter. Criteria: Ambry Variant Classification Scheme 2023. Collection method: clinical testing. Allele origin: germline.
Comment: The c.6172_6174delTCA variant (also known as p.S2058del) is located in coding exon 41 of the ATM gene. This variant results from an in-frame TCA deletion at nucleotide positions 6172 to 6174. This results in the in-frame deletion of a serine at codon 2058. This variant was not reported in population based cohorts in the following databases: Database of Single Nucleotide Polymorphisms (dbSNP), NHLBI Exome Sequencing Project (ESP), and 1000 Genomes Project. In the ESP, this variant was not observed in 6499 samples (12998 alleles) with coverage at this position. To date, this alteration has been detected with an allele frequency of approximately 0.001% (greater than 180000 alleles tested) in our clinical cohort. This nucleotide region is not well conserved in available vertebrate species. Since supporting evidence is limited at this time, the clinical significance of this alteration remains unclear.

NM_000051.4(ATM):c.6169TCA[1] (p.Ser2058del)

Genes: ATM (ATM serine/threonine kinase; plus strand), C11orf65 (chromosome 11 open reading frame 65; minus strand). Cytogenetic location: 11q22.3.
Variant type: Microsatellite.
Coding change: c.6169TCA[1] on transcript NM_000051.4 (MANE Select); one copy of the 3-base unit TCA starting at c.6169; the reference has two copies in a row; one copy, 3 bases deleted.
Protein change: p.Ser2058del; deletes serine 2058.
Molecular consequence: inframe deletion. On other transcripts: intron variant (2), inframe indel (1).
Genome position (GRCh38, 1-based): chr11:108,316,087-108,316,089, TCA deleted; deleting any 3 consecutive bases within chr11:108,316,084-108,316,089 gives the same sequence; the position shown is the placement nearest the transcript's 3' end. VCF-style (leftmost placement, unchanged base first): chr11-108316083-CTCA-C. GRCh37 (hg19) VCF-style: chr11-108186810-CTCA-C.
Other names: c.6169TCA[1], p.Ser2058del (NM_001351834.2); c.641-7015_641-7013del (NM_001330368.2); c.*39-7015_*39-7013del (NM_001351110.2); c.6172_6174delTCA (NM_000051.3); short protein forms S2058del.
Identifiers: ClinVar variation 481083 (VCV000481083.7), dbSNP rs1555113809, ClinGen allele CA658656192.